The following is an entry in ClinVar:

NM_000059.4(BRCA2):c.267G>T (p.Pro89=)

Gene: BRCA2 (BRCA2 DNA repair associated; plus strand). Cytogenetic location: 13q13.1.
Variant type: single nucleotide variant.
Coding change: c.267G>T on transcript NM_000059.4 (MANE Select); coding-DNA position 267, G replaced by T.
Protein change: p.Pro89=; no amino-acid change (proline 89 retained).
Molecular consequence: synonymous variant.
Genome position (GRCh38, 1-based): chr13:32,319,276, G>T. VCF-style: chr13-32319276-G-T. GRCh37 (hg19) VCF-style: chr13-32893413-G-T.
Other names: NP_000050.3:p.Pro89=.
Identifiers: ClinVar variation 427539 (VCV000427539.37), dbSNP rs587780648, ClinGen allele CA6940334.

ClinVar aggregate classification (germline): Likely benign. Review status: reviewed by expert panel (3 of 4 stars). 9 submissions from 9 submitters: Likely benign (1). 8 of the submissions do not count toward it. Last evaluated 2017-06-29.

Conditions:
BRCA2-related disorder. Also called: BRCA2-related condition; BRCA2-related disorders. Identifiers: MedGen CN239275.
Hereditary cancer-predisposing syndrome. Also called: Hereditary Cancer Syndrome; Tumor predisposition; Hereditary neoplastic syndrome; Neoplastic Syndromes, Hereditary. Identifiers: Orphanet 140162, MedGen C0027672, MeSH D009386, MONDO:0015356.
Hereditary breast ovarian cancer syndrome. Also called: Hereditary breast and/or ovarian cancer syndrome; Breast and ovarian cancer; BRCA1- and BRCA2-Associated Hereditary Breast and Ovarian Cancer; Hereditary breast and ovarian cancer syndrome (HBOC); Hereditary breast and ovarian cancer syndrome; Hereditary breast and ovarian cancer. Identifiers: Orphanet 145, MedGen C0677776, MeSH D061325, MONDO:0003582. Disease mechanism: loss of function.
Breast-ovarian cancer, familial, susceptibility to, 2 (BROVCA2). Also called: BRCA2 Hereditary Breast and Ovarian Cancer. Identifiers: Orphanet 145, MedGen C2675520, MONDO:0012933, OMIM 612555. Disease mechanism: loss of function.
Familial cancer of breast. Also called: Hereditary breast cancer; hereditary breast carcinoma; BREAST CANCER, FAMILIAL. Identifiers: Orphanet 227535, MedGen C0346153, MONDO:0016419, OMIM 114480. Disease mechanism: loss of function.

gnomAD v4.1: 16 of 1,613,796 alleles (0.00099%); highest among the groups gnomAD compares: Middle Eastern, 0.017%; no homozygotes.

Submissions (9):

Evidence-based Network for the Interpretation of Germline Mutant Alleles (ENIGMA)
Classification: Likely benign for Breast-ovarian cancer, familial, susceptibility to, 2. Last evaluated: 2017-06-29. Review status: reviewed by expert panel. Criteria: ENIGMA BRCA1/2 Classification Criteria (2017-06-29). Collection method: curation. Allele origin: germline.
Comment: Synonymous substitution variant, with low bioinformatic likelihood to result in a splicing aberration (Splicing prior probability 0.02).

PreventionGenetics, part of Exact Sciences
Classification: Likely benign for BRCA2-related condition. Last evaluated: 2025-02-03. Review status: criteria provided, single submitter. Criteria: ACMG Guidelines, 2015. Collection method: clinical testing. Allele origin: germline. Not counted in ClinVar's aggregate classification.
Comment: This variant is classified as likely benign based on ACMG/AMP sequence variant interpretation guidelines (Richards et al. 2015 PMID: 25741868, with internal and published modifications).

KCCC/NGS Laboratory, Kuwait Cancer Control Center
Classification: Benign for Familial cancer of breast. Last evaluated: 2025-02-01. Review status: criteria provided, single submitter. Criteria: ACMG Guidelines, 2015. Collection method: clinical testing. Allele origin: germline. Affected: no. Not counted in ClinVar's aggregate classification.

Labcorp Genetics (formerly Invitae), Labcorp
Classification: Likely benign for Hereditary breast ovarian cancer syndrome. Last evaluated: 2025-01-25. Review status: criteria provided, single submitter. Criteria: Invitae Variant Classification Sherloc (09022015). Collection method: clinical testing. Allele origin: germline. Not counted in ClinVar's aggregate classification.

All of Us Research Program, National Institutes of Health
Classification: Likely benign for Breast-ovarian cancer, familial, susceptibility to, 2. Last evaluated: 2023-09-17. Review status: criteria provided, single submitter. Criteria: ACMG Guidelines, 2015. Collection method: clinical testing. Allele origin: germline. Inheritance: Autosomal dominant inheritance. Observed: 1 variant allele, 1 heterozygote. Not counted in ClinVar's aggregate classification.
Comment: This study involves interpretation of variants in research participants for the purpose of population health screening. Participant phenotype was not available at the time of variant classification. Additional details can be found in publication PMID: 35346344, PMCID: PMC8962531

National Health Laboratory Service, Universitas Academic Hospital and University of the Free State
Classification: Likely benign for Hereditary breast ovarian cancer syndrome. Last evaluated: 2021-11-16. Review status: criteria provided, single submitter. Criteria: ACMG Guidelines, 2015. Collection method: clinical testing. Allele origin: germline. Affected: yes. Observed: 2 variant alleles. Not counted in ClinVar's aggregate classification.

GeneDx
Classification: Likely benign. Last evaluated: 2019-10-10. Review status: criteria provided, single submitter. Criteria: GeneDx Variant Classification Process June 2021. Collection method: clinical testing. Allele origin: germline. Affected: yes. Not counted in ClinVar's aggregate classification.
Comment: This variant is associated with the following publications: (PMID: 20104584)

Color Diagnostics, LLC DBA Color Health
Classification: Likely benign for Hereditary cancer-predisposing syndrome. Last evaluated: 2019-04-17. Review status: criteria provided, single submitter. Criteria: ACMG Guidelines, 2015. Collection method: clinical testing. Allele origin: germline. Not counted in ClinVar's aggregate classification.

Ambry Genetics
Classification: Likely benign for Hereditary cancer-predisposing syndrome. Last evaluated: 2019-01-11. Review status: criteria provided, single submitter. Criteria: Ambry Variant Classification Scheme 2023. Collection method: clinical testing. Allele origin: germline. Not counted in ClinVar's aggregate classification.

Literature cited by the submitters: DOI 10.3389/fgene.2022.834265 (cited by National Health Laboratory Service, Universitas Academic Hospital and University of the Free State).